The following is an entry in ClinVar:

ClinVar aggregate classification (germline): Likely pathogenic (1 of 4 stars; one submission).

Conditions:
Venous malformation (VM). Identifiers: MedGen C2937220, HP:0012721. Disease mechanism: gain of function.

Submission:

Seattle Children's Hospital Molecular Genetics Laboratory, Seattle Children's Hospital
Classification: Likely pathogenic for Venous malformation. Last evaluated: 2021-07-06. Review status: criteria provided, single submitter. Criteria: ACMG Guidelines, 2015. Collection method: clinical testing. Allele origin: somatic. Inheritance: Somatic mutation. Affected: yes. Observed: 1 variant allele, 1 heterozygote.
Comment: A likely pathogenic variant was identified in exon 3 of KRAS (NM_004985.4:c.197_223dup, p.Ala66_Thr74dup). This variant was identified in ~1% of reads (depth of coverage =2,343x), consistent with somatic origin. This variant is not reported in the medical literature, control population database (gnomAD). Â  KRAS is a GTPase that functions as an upstream regulator of the MAPK and PI3K pathways. The duplication of 27 nucleotides causes an inframe insertion of 9 amino acids. This alteration occurs within the "switch II" domain of the KRAS protein that is highly conserved across species. Different insertion mutations within this domain have been reported to disrupt GTP hydrolysis and result in constitutive KRAS activation. The functional effect of p.Ala66_Thr74dup has not been experimentally tested. Similarly, a patient with a probable arteriovenous malformation was reported to have a mosaic KRAS p.Glu63_Asp69dup variant (PMID: 31160609). Â  Mosaic activating variants in KRAS have been previously reported in several unrelated individuals with a spectrum of clinical features, including isolated arteriovenous malformations.

Literature cited by the submitters: PubMed 31160609; PubMed 30544177.

NM_004985.5(KRAS):c.197_223dup (p.Ala66_Thr74dup)

Gene: KRAS (KRAS proto-oncogene, GTPase; minus strand). Cytogenetic location: 12p12.1.
Variant type: Duplication.
Coding change: c.197_223dup on transcript NM_004985.5 (MANE Select); coding-DNA positions 197 to 223, 27 bases duplicated (CAATGAGGGACCAGTACATGAGGACTG).
Protein change: p.Ala66_Thr74dup.
Molecular consequence: inframe insertion.
Genome position (GRCh38, 1-based): chr12:25,227,301-25,227,327, CAGTCCTCATGTACTGGTCCCTCATTG duplicated on the plus strand (CAATGAGGGACCAGTACATGAGGACTG on the coding strand, the reverse complement: KRAS is on the minus strand); duplicating any 27 consecutive bases within chr12:25,227,301-25,227,329 gives the same sequence; the c. name uses the placement nearest the transcript's 3' end. VCF-style (leftmost placement, unchanged base first): chr12-25227300-C-CCAGTCCTCATGTACTGGTCCCTCATTG. GRCh37 (hg19) VCF-style: chr12-25380234-C-CCAGTCCTCATGTACTGGTCCCTCATTG.
Other names: c.197_223dup, p.Ala66_Thr74dup (NM_001369786.1, NM_001369787.1, NM_033360.4).
Identifiers: ClinVar variation 1177293 (VCV001177293.2), dbSNP rs2141509708, ClinGen allele CA2499221592.